The following is an entry in ClinVar:

ClinVar aggregate classification (germline): Likely pathogenic (1 of 4 stars; one submission).

Conditions:
Hermansky-Pudlak syndrome 3 (HPS3). Identifiers: Orphanet 231512, Orphanet 79430, MedGen C3888001, MONDO:0013555, OMIM 614072.

Submission:

Myriad Genetics, Inc.
Classification: Likely pathogenic for Hermansky-Pudlak syndrome 3. Last evaluated: 2022-02-12. Review status: criteria provided, single submitter. Criteria: Myriad Women's Health Autosomal Recessive and X-Linked Classification Criteria (2021). Collection method: clinical testing. Allele origin: unknown.
Comment: NM_032383.3(HPS3):c.2038A>T(K680*) is expected to be pathogenic in the context of Hermansky-Pudlak syndrome type 3. This variant is predicted to lead to an abnormal or absent protein product due to the creation of a premature termination codon in HPS3, a gene where loss-of-function variants are known to be pathogenic. Please note: this variant was assessed in the context of healthy population screening.

NM_032383.5(HPS3):c.2038A>T (p.Lys680Ter)

Gene: HPS3 (HPS3 biogenesis of lysosomal organelles complex 2 subunit 1; plus strand). Cytogenetic location: 3q24.
Variant type: single nucleotide variant.
Coding change: c.2038A>T on transcript NM_032383.5 (MANE Select); coding-DNA position 2038, A replaced by T.
Protein change: p.Lys680Ter; replaces lysine 680 with a stop codon.
Molecular consequence: nonsense.
Genome position (GRCh38, 1-based): chr3:149,160,211, A>T. VCF-style: chr3-149160211-A-T. GRCh37 (hg19) VCF-style: chr3-148877998-A-T.
Other names: c.1543A>T, p.Lys515Ter (NM_001308258.2); short protein forms K515*, K680*.
Identifiers: ClinVar variation 1724379 (VCV001724379.2), dbSNP rs2473114037, ClinGen allele CA354923595.